The following is an entry in ClinVar:

ClinVar aggregate classification (germline): Conflicting classifications of pathogenicity. Review status: criteria provided, conflicting classifications (1 of 4 stars). 3 submissions from 3 submitters: Uncertain significance (1); Likely benign (1). 1 of the submissions does not count toward it. Last evaluated 2026-01-13.

Conditions:
ALDOB-related disorder. Also called: ALDOB-related condition.
Hereditary fructosuria. Also called: ALDOB DEFICIENCY; ALDOLASE B DEFICIENCY; FRUCTOSE-1,6-BISPHOSPHATE ALDOLASE B DEFICIENCY; FRUCTOSE-1-PHOSPHATE ALDOLASE DEFICIENCY; FRUCTOSEMIA; Hereditary fructose intolerance. Identifiers: Orphanet 469, MedGen C0016751, MONDO:0009249, OMIM 229600, HP:0005973. Disease mechanism: loss of function.

Allele frequency attached by ClinVar (database versions not stated): gnomAD 0.00001 and 0.00009; TOPMed 0.00004; gnomAD exomes 0.00015 and 0.00028; ExAC 0.00031; 1000 Genomes Project 0.00080; 1000 Genomes Project 30x 0.00109.
gnomAD v4.1: 230 of 1,613,894 alleles (0.014%); highest among the groups gnomAD compares: South Asian, 0.2%; 4 homozygotes.

Submissions (3):

Labcorp Genetics (formerly Invitae), Labcorp
Classification: Likely benign for Hereditary fructosuria. Last evaluated: 2026-01-13. Review status: criteria provided, single submitter. Criteria: Invitae Variant Classification Sherloc (09022015). Collection method: clinical testing. Allele origin: germline.

Eurofins Ntd Llc (ga)
Classification: Uncertain significance. Last evaluated: 2017-08-25. Review status: criteria provided, single submitter. Criteria: EGL Classification Definitions 2015. Collection method: clinical testing. Allele origin: germline. Observed: 2 variant alleles, 2 heterozygotes.

PreventionGenetics, part of Exact Sciences
Classification: Likely benign for ALDOB-related condition. Last evaluated: 2019-03-27. Review status: no assertion criteria provided. Collection method: clinical testing. Allele origin: germline. Not counted in ClinVar's aggregate classification.
Comment: This variant is classified as likely benign based on ACMG/AMP sequence variant interpretation guidelines (Richards et al. 2015 PMID: 25741868, with internal and published modifications).

NM_000035.4(ALDOB):c.1014G>A (p.Ala338=)

Gene: ALDOB (aldolase, fructose-bisphosphate B; minus strand). Cytogenetic location: 9q31.1.
Variant type: single nucleotide variant.
Coding change: c.1014G>A on transcript NM_000035.4 (MANE Select); coding-DNA position 1014, G replaced by A.
Protein change: p.Ala338=; no amino-acid change (alanine 338 retained).
Molecular consequence: synonymous variant.
Genome position (GRCh38, 1-based): chr9:101,421,890, C>T on the plus strand (G>A on the coding strand, the complement: ALDOB is on the minus strand). VCF-style: chr9-101421890-C-T. GRCh37 (hg19) VCF-style: chr9-104184172-C-T.
Other names: c.1014G>A, p.Ala338= (LRG_1244t1).
Identifiers: ClinVar variation 593824 (VCV000593824.17), dbSNP rs546735701, ClinGen allele CA5161398.